The following is an entry in ClinVar:

ClinVar aggregate classification (germline): Uncertain significance (1 of 4 stars; one submission).

Conditions:
Congenital sideroblastic anemia-B-cell immunodeficiency-periodic fever-developmental delay syndrome. Also called: Sideroblastic anemia with B-cell immunodeficiency, periodic fevers, and developmental delay. Identifiers: Orphanet 369861, MedGen C4015172, MONDO:0014487, OMIM 616084.

Allele frequency attached by ClinVar (database versions not stated): gnomAD exomes below 0.00001.
gnomAD v4.1: 1 of 1,613,850 alleles (0.000062%); highest among the groups gnomAD compares: Admixed American, 0.0017%; no homozygotes.

Submission:

Labcorp Genetics (formerly Invitae), Labcorp
Classification: Uncertain significance for Congenital sideroblastic anemia-B-cell immunodeficiency-periodic fever-developmental delay syndrome. Last evaluated: 2022-01-07. Review status: criteria provided, single submitter. Criteria: Invitae Variant Classification Sherloc (09022015). Collection method: clinical testing. Allele origin: germline.
Comment: This sequence change replaces aspartic acid, which is acidic and polar, with glycine, which is neutral and non-polar, at codon 286 of the TRNT1 protein (p.Asp286Gly). This variant is not present in population databases (gnomAD no frequency). This variant has not been reported in the literature in individuals affected with TRNT1-related conditions. Algorithms developed to predict the effect of missense changes on protein structure and function (SIFT, PolyPhen-2, Align-GVGD) all suggest that this variant is likely to be tolerated. In summary, the available evidence is currently insufficient to determine the role of this variant in disease. Therefore, it has been classified as a Variant of Uncertain Significance.

NM_182916.3(TRNT1):c.857A>G (p.Asp286Gly)

Gene: TRNT1 (tRNA nucleotidyl transferase 1; plus strand). Cytogenetic location: 3p26.2.
Variant type: single nucleotide variant.
Coding change: c.857A>G on transcript NM_182916.3 (MANE Select); coding-DNA position 857, A replaced by G.
Protein change: p.Asp286Gly; replaces aspartic acid 286 with glycine.
Molecular consequence: missense variant. On other transcripts: non-coding transcript variant (8).
Genome position (GRCh38, 1-based): chr3:3,147,504, A>G. VCF-style: chr3-3147504-A-G. GRCh37 (hg19) VCF-style: chr3-3189188-A-G.
Other names: c.797A>G, p.Asp266Gly (NM_001302946.2); c.857A>G, p.Asp286Gly (NM_001367321.1, NM_001367322.1, NM_001367323.1); short protein forms D286G, D266G.
Identifiers: ClinVar variation 2076777 (VCV002076777.4), dbSNP rs2471350213, ClinGen allele CA351447460.